The following is an entry in ClinVar:

ClinVar aggregate classification (germline): Uncertain significance (1 of 4 stars; one submission).

gnomAD v4.1: 1 of 1,613,316 alleles (0.000062%); highest among the groups gnomAD compares: Admixed American, 0.0017%; no homozygotes.

Submission:

Laboratory for Molecular Medicine, Mass General Brigham Personalized Medicine
Classification: Uncertain significance. Last evaluated: 2014-12-23. Review status: criteria provided, single submitter. Criteria: LMM Criteria. Collection method: clinical testing. Allele origin: germline. Observed: 1 variant allele.
Comment: The p.Val24726Gly variant in TTN has not been previously reported in individuals with cardiomyopathy and was absent from large population studies. Computational prediction tools and conservation analysis do not provide strong support for or against an impact to the protein. In summary, the clinical significance of the p.Val24726Gly variant is uncertain.

NM_001267550.2(TTN):c.81881T>G (p.Val27294Gly)

Genes: TTN (titin; minus strand), TTN-AS1 (TTN antisense RNA 1; plus strand). Cytogenetic location: 2q31.2.
Variant type: single nucleotide variant.
Coding change: c.81881T>G on transcript NM_001267550.2 (MANE Select); coding-DNA position 81881, T replaced by G.
Protein change: p.Val27294Gly; replaces valine 27294 with glycine.
Molecular consequence: missense variant.
Genome position (GRCh38, 1-based): chr2:178,564,251, A>C on the plus strand (T>G on the coding strand, the complement: TTN is on the minus strand). VCF-style: chr2-178564251-A-C. GRCh37 (hg19) VCF-style: chr2-179428978-A-C.
Other names: c.74177T>G, p.Val24726Gly (NM_133378.4); c.76958T>G, p.Val25653Gly (NM_001256850.1); c.54686T>G, p.Val18229Gly (NM_003319.4); c.55061T>G, p.Val18354Gly (NM_133432.3); c.55262T>G, p.Val18421Gly (NM_133437.4); short protein forms V24726G, V27294G, V18229G, V18354G, V25653G, V18421G.
Identifiers: ClinVar variation 229525 (VCV000229525.5), dbSNP rs876658084, ClinGen allele CA10576476.